The following is an entry in ClinVar:

NM_006005.3(WFS1):c.966C>T (p.His322=)

Gene: WFS1 (wolframin ER transmembrane glycoprotein; plus strand). Cytogenetic location: 4p16.1.
Variant type: single nucleotide variant.
Coding change: c.966C>T on transcript NM_006005.3 (MANE Select); coding-DNA position 966, C replaced by T.
Protein change: p.His322=; no amino-acid change (histidine 322 retained).
Molecular consequence: synonymous variant.
Genome position (GRCh38, 1-based): chr4:6,300,761, C>T. VCF-style: chr4-6300761-C-T. GRCh37 (hg19) VCF-style: chr4-6302488-C-T.
Other names: c.966C>T, p.His322= (NM_001145853.1).
Identifiers: ClinVar variation 437295 (VCV000437295.24), dbSNP rs140196582, ClinGen allele CA2839172.

ClinVar aggregate classification (germline): Conflicting classifications of pathogenicity. Review status: criteria provided, conflicting classifications (1 of 4 stars). 8 submissions from 7 submitters: Uncertain significance (1); Benign (2); Likely benign (4). 1 of the submissions does not count toward it. Last evaluated 2025-09-01.

Conditions:
Wolfram syndrome 1 (WFS1). Identifiers: Orphanet 3463, MedGen C4551693, MONDO:0009101, OMIM 222300.
Autosomal dominant nonsyndromic hearing loss 6 (LFSNHL). Also called: Autosomal dominant nonsyndromic deafness 6; DEAFNESS, AUTOSOMAL DOMINANT 6; DEAFNESS, AUTOSOMAL DOMINANT 14; DEAFNESS, AUTOSOMAL DOMINANT 38. Identifiers: Orphanet 90635, MedGen C1833021, MONDO:0010963, OMIM 600965.
WFS1-Related Spectrum Disorders.
WFS1-related disorder. Identifiers: MedGen CN379391, MONDO:0700293.

Allele frequency attached by ClinVar (database versions not stated): gnomAD exomes 0.00008; ESP Exome Variant Server 0.00046; TOPMed 0.00069; 1000 Genomes Project 0.00080; gnomAD 0.00083; 1000 Genomes Project 30x 0.00094.
gnomAD v4.1: 225 of 1,613,784 alleles (0.014%); highest among the groups gnomAD compares: African/African-American, 0.27%; no homozygotes.

Submissions (8):

Labcorp Genetics (formerly Invitae), Labcorp
Classification: Likely benign. Last evaluated: 2025-09-01. Review status: criteria provided, single submitter. Criteria: Invitae Variant Classification Sherloc (09022015). Collection method: clinical testing. Allele origin: germline.

Blueprint Genetics
Classification: Likely benign. Last evaluated: 2024-07-17. Review status: criteria provided, single submitter. Criteria: ACMG Guidelines, 2015. Collection method: clinical testing. Allele origin: germline.

Genetic Services Laboratory, University of Chicago
Classification: Benign. Last evaluated: 2021-04-02. Review status: criteria provided, single submitter. Criteria: ACMG Guidelines, 2015. Collection method: clinical testing. Allele origin: germline. Affected: no.

GeneDx
Classification: Likely benign. Last evaluated: 2018-02-02. Review status: criteria provided, single submitter. Criteria: GeneDx Variant Classification (06012015). Collection method: clinical testing. Allele origin: germline. Affected: yes.
Comment: This variant is considered likely benign or benign based on one or more of the following criteria: it is a conservative change, it occurs at a poorly conserved position in the protein, it is predicted to be benign by multiple in silico algorithms, and/or has population frequency not consistent with disease.

Illumina Laboratory Services, Illumina
Classification: Uncertain significance for WFS1-Related Spectrum Disorders. Last evaluated: 2018-01-13. Review status: criteria provided, single submitter. Criteria: ICSL Variant Classification Criteria 13 December 2019. Collection method: clinical testing. Allele origin: germline.

Illumina Laboratory Services, Illumina
Classification: Likely benign for Autosomal dominant nonsyndromic hearing loss 6. Last evaluated: 2018-01-13. Review status: criteria provided, single submitter. Criteria: ICSL Variant Classification Criteria 13 December 2019. Collection method: clinical testing. Allele origin: germline.
Comment: This variant was observed in the ICSL laboratory as part of a predisposition screen in an ostensibly healthy population. It had not been previously curated by ICSL or reported in the Human Gene Mutation Database (HGMD: prior to June 1st, 2018), and was therefore a candidate for classification through an automated scoring system. Utilizing variant allele frequency, disease prevalence and penetrance estimates, and inheritance mode, an automated score was calculated to assess if this variant is too frequent to cause the disease. Based on the score and internal cut-off values, a variant classified as likely benign is not then subjected to further curation. The score for this variant resulted in a classification of likely benign for this disease.

Clinical Genomics, Uppaluri K&H Personalized Medicine Clinic
Classification: Benign for Wolfram syndrome 1. Review status: criteria provided, single submitter. Criteria: K & H Uppaluri Personalized Medicine Clinic Variant Classification & Assertion Criteria_Updated V.1. Collection method: research. Allele origin: unknown. Inheritance: Autosomal recessive inheritance.
Comment: Potent mutations in WFS1 gene are associated with Wolfram's syndrome, an autosomal recessive condition, which cause diabetes mellitus, diabetes insipidus, deafness and optic atrophy. However no sufficient evidence is found to ascertain the role of this particular variant rs140196582 in Wolfram's syndrome yet.

PreventionGenetics, part of Exact Sciences
Classification: Likely benign for WFS1-related condition. Last evaluated: 2019-07-17. Review status: no assertion criteria provided. Collection method: clinical testing. Allele origin: germline. Not counted in ClinVar's aggregate classification.
Comment: This variant is classified as likely benign based on ACMG/AMP sequence variant interpretation guidelines (Richards et al. 2015 PMID: 25741868, with internal and published modifications).

Literature cited by the submitters: PubMed 20738327 (cited by Clinical Genomics, Uppaluri K&H Personalized Medicine Clinic); PubMed 33879153 (cited by Clinical Genomics, Uppaluri K&H Personalized Medicine Clinic); PubMed 12955714 (cited by Clinical Genomics, Uppaluri K&H Personalized Medicine Clinic); PubMed 18060660 (cited by Clinical Genomics, Uppaluri K&H Personalized Medicine Clinic); PubMed 20301750 (cited by Clinical Genomics, Uppaluri K&H Personalized Medicine Clinic); PubMed 17603484 (cited by Clinical Genomics, Uppaluri K&H Personalized Medicine Clinic).